The following is an entry in ClinVar:

ClinVar aggregate classification (germline): Pathogenic/Likely pathogenic. Review status: criteria provided, multiple submitters, no conflicts (2 of 4 stars). 3 submissions from 3 submitters: Pathogenic (1); Likely pathogenic (2). Last evaluated 2024-07-24.

Conditions:
Familial hypokalemia-hypomagnesemia (GTLMNS). Also called: HYPOMAGNESEMIA-HYPOKALEMIA, PRIMARY RENOTUBULAR, WITH HYPOCALCIURIA; POTASSIUM AND MAGNESIUM DEPLETION; gitelman syndrome. Identifiers: Orphanet 358, MedGen C0268450, MONDO:0009904, OMIM 263800.

Allele frequency attached by ClinVar (database versions not stated): gnomAD exomes below 0.00001.
gnomAD v4.1: 1 of 1,614,180 alleles (0.000062%); highest among the groups gnomAD compares: South Asian, 0.0011%; no homozygotes.

Submissions (3):

Natera, Inc.
Classification: Likely pathogenic for Gitelman syndrome. Last evaluated: 2024-07-24. Review status: criteria provided, single submitter. Criteria: Natera Variant Classification Schema (03/2026). Collection method: clinical testing. Allele origin: germline.
Comment: The c.1674G>A variant in SLC12A3 is a nonsense variant predicted to introduce a stop codon at amino acid 558. This variant is expected to result in nonsense mediated decay, truncation, or a dysfunctional protein product. This variant is rare in the general population with a frequency below the threshold expected for the associated phenotype(s). Given the available evidence, this variant is classified as Likely Pathogenic.

Labcorp Genetics (formerly Invitae), Labcorp
Classification: Pathogenic. Last evaluated: 2024-01-31. Review status: criteria provided, single submitter. Criteria: Invitae Variant Classification Sherloc (09022015). Collection method: clinical testing. Allele origin: germline.
Comment: This sequence change creates a premature translational stop signal (p.Trp558*) in the SLC12A3 gene. It is expected to result in an absent or disrupted protein product. Loss-of-function variants in SLC12A3 are known to be pathogenic (PMID: 20848653, 22009145, 25841442). This variant is not present in population databases (gnomAD no frequency). This variant has not been reported in the literature in individuals affected with SLC12A3-related conditions. ClinVar contains an entry for this variant (Variation ID: 1455492). For these reasons, this variant has been classified as Pathogenic.

Fulgent Genetics
Classification: Likely pathogenic for Familial hypokalemia-hypomagnesemia. Last evaluated: 2021-09-13. Review status: criteria provided, single submitter. Criteria: ACMG Guidelines, 2015. Collection method: clinical testing. Allele origin: unknown.

Literature cited by the submitters: PubMed 20848653 (cited by Labcorp Genetics (formerly Invitae), Labcorp); PubMed 22009145 (cited by Labcorp Genetics (formerly Invitae), Labcorp); PubMed 25841442 (cited by Labcorp Genetics (formerly Invitae), Labcorp).

NM_001126108.2(SLC12A3):c.1674G>A (p.Trp558Ter)

Gene: SLC12A3 (solute carrier family 12 member 3; plus strand). Cytogenetic location: 16q13.
Variant type: single nucleotide variant.
Coding change: c.1674G>A on transcript NM_001126108.2 (MANE Select); coding-DNA position 1674, G replaced by A.
Protein change: p.Trp558Ter; replaces tryptophan 558 with a stop codon.
Molecular consequence: nonsense.
Genome position (GRCh38, 1-based): chr16:56,884,053, G>A. VCF-style: chr16-56884053-G-A. GRCh37 (hg19) VCF-style: chr16-56917965-G-A.
Other names: c.1674G>A, p.Trp558Ter (NM_000339.3); c.1671G>A, p.Trp557Ter (NM_001126107.2); c.1674G>A (NM_000339.2); short protein forms W557*, W558*.
Identifiers: ClinVar variation 1455492 (VCV001455492.9), dbSNP rs2144723074, ClinGen allele CA395990254.